The following is an entry in ClinVar:

NM_001613.4(ACTA2):c.178G>A (p.Ala60Thr)

Gene: ACTA2 (actin alpha 2, smooth muscle; minus strand). Cytogenetic location: 10q23.31.
Variant type: single nucleotide variant.
Coding change: c.178G>A on transcript NM_001613.4 (MANE Select); coding-DNA position 178, G replaced by A.
Protein change: p.Ala60Thr; replaces alanine 60 with threonine.
Molecular consequence: missense variant.
Genome position (GRCh38, 1-based): chr10:88,947,338, C>T on the plus strand (G>A on the coding strand, the complement: ACTA2 is on the minus strand). VCF-style: chr10-88947338-C-T. GRCh37 (hg19) VCF-style: chr10-90707095-C-T.
Other names: p.A60T:GCA>ACA; c.178G>A, p.Ala60Thr (NM_001141945.3, NM_001320855.2, NM_001406462.1 and 4 more transcripts); short protein forms A60T.
Identifiers: ClinVar variation 199667 (VCV000199667.5), dbSNP rs794728022, ClinGen allele CA006851.

ClinVar aggregate classification (germline): Uncertain significance. Review status: criteria provided, multiple submitters, no conflicts (2 of 4 stars). 2 submissions from 2 submitters: Uncertain significance (2). Last evaluated 2024-10-09.

Conditions:
Aortic aneurysm, familial thoracic 6 (AAT6). Also called: FAMILIAL THORACIC AORTIC ANEURYSM WITH LIVEDO RETICULARIS AND IRIS FLOCCULI. Identifiers: MedGen C2673186, MONDO:0012730, OMIM 611788.

Submissions (2):

Victorian Clinical Genetics Services, Murdoch Childrens Research Institute
Classification: Uncertain significance for Aortic aneurysm, familial thoracic 6. Last evaluated: 2024-10-09. Review status: criteria provided, single submitter. Criteria: ACMG Guidelines, 2015. Collection method: clinical testing. Allele origin: germline. Inheritance: Autosomal dominant inheritance. Affected: yes.
Comment: Based on the classification scheme VCGS_Germline_v1.3.4, this variant is classified as VUS-3A. Following criteria are met: 0104 - Dominant negative is a known mechanism of disease in this gene and is associated with familial thoracic aortic aneurysm 6 (MIM#611788), Moyamoya disease 5 (MIM#614042) and multisystemic smooth muscle dysfunction syndrome (MIM#613834) (PMID: 27551047, 28652363). (I) 0107 - This gene is associated with autosomal dominant disease. (I) 0200 - Variant is predicted to result in a missense amino acid change from alanine to threonine. (I) 0251 - This variant is heterozygous. (I) 0301 - Variant is absent from gnomAD (both v2 and v3). (SP) 0502 - Missense variant with conflicting in silico predictions and very high conservation. (I) 0600 - Variant is located in the annotated actin domain (DECIPHER). (I) 0708 - Other missense variants comparable to the one identified in this case have conflicting previous evidence for pathogenicity. Two alternative changes have been reported; p.(Ala60Gly) has been classified as a VUS by a clinical laboratory in ClinVar, whilst p.(Ala60Glu) has been reported in an individual with aortic dissection and classified as likely pathogenic (PMID: 29907982). (I) 0809 - Previous evidence of pathogenicity for this variant is inconclusive. This variant has been classified as a VUS by a clinical laboratory in ClinVar. (I) 0905 - No published segregation evidence has been identified for this variant. (I) 1007 - No published functional evidence has been identified for this variant. (I) Legend: (SP) - Supporting pathogenic, (I) - Information, (SB) - Supporting benign

GeneDx
Classification: Uncertain significance. Last evaluated: 2016-12-21. Review status: criteria provided, single submitter. Criteria: GeneDx Variant Classification (06012015). Collection method: clinical testing. Allele origin: germline. Affected: yes.
Comment: A variant of uncertain significance has been identified in the ACTA2 gene. The A60T variant has not been publishedas a pathogenic variant, nor has it been reported as a benign variant to our knowledge. This variant was not observedin approximately 6,500 individuals of European and African American ancestry in the NHLBI Exome SequencingProject, indicating it is not a common benign variant in these populations. The A60T variant is a non-conservativeamino acid substitution, which is likely to impact secondary protein structure as these residues differ in polarity,charge, size and/or other properties. This substitution occurs at a position that is conserved across species. In silicoanalysis suggests that this variant is probably damaging to the protein structure/function. However, this variant lacksobservation in a significant number of affected individuals, segregation data, and functional evidence, which wouldfurther clarify its pathogenicity.

Literature cited by the submitters: PubMed 27551047 (cited by Victorian Clinical Genetics Services, Murdoch Childrens Research Institute); PubMed 28652363 (cited by Victorian Clinical Genetics Services, Murdoch Childrens Research Institute); PubMed 29907982 (cited by Victorian Clinical Genetics Services, Murdoch Childrens Research Institute).